The following is an entry in ClinVar:

NM_205861.3(DHDDS):c.390T>G (p.Asp130Glu)

Gene: DHDDS (dehydrodolichyl diphosphate synthase subunit; plus strand). Cytogenetic location: 1p36.11.
Variant type: single nucleotide variant.
Coding change: c.390T>G on transcript NM_205861.3 (MANE Select); coding-DNA position 390, T replaced by G.
Protein change: p.Asp130Glu; replaces aspartic acid 130 with glutamic acid.
Molecular consequence: missense variant. On other transcripts: intron variant (1).
Genome position (GRCh38, 1-based): chr1:26,446,382, T>G. VCF-style: chr1-26446382-T-G. GRCh37 (hg19) VCF-style: chr1-26772873-T-G.
Other names: c.390T>G, p.Asp130Glu (NM_001243564.2, NM_024887.4); c.111T>G, p.Asp37Glu (NM_001319959.2); c.324-1177T>G (NM_001243565.2); short protein forms D130E, D37E.
Identifiers: ClinVar variation 1522001 (VCV001522001.6), dbSNP rs2124426006, ClinGen allele CA339142621.
Genomic context (GRCh38, chr1:26,446,382, plus strand): 5'-ACTGCAGAAGCATGGGGTGTGTATCCGGGTCCTGGGCGATCTGCACTTGTTGCCCTTGGA[T>G]CTCCAGGAGCTGATTGCACAAGCTGTACAGGCCACGAAGAACTACAACAAGTAAGTTCTC-3'
Protein context (NP_995583.1, residues 120-140): VLGDLHLLPL[Asp130Glu]LQELIAQAVQ

ClinVar aggregate classification (germline): Uncertain significance (1 of 4 stars; one submission).

Conditions:
Retinitis pigmentosa 59 (RP59). Identifiers: Orphanet 791, MedGen C3151227, MONDO:0013468, OMIM 613861.

Submission:

Labcorp Genetics (formerly Invitae), Labcorp
Classification: Uncertain significance for Retinitis pigmentosa 59. Last evaluated: 2022-06-28. Review status: criteria provided, single submitter. Criteria: Invitae Variant Classification Sherloc (09022015). Collection method: clinical testing. Allele origin: germline.
Comment: In summary, the available evidence is currently insufficient to determine the role of this variant in disease. Therefore, it has been classified as a Variant of Uncertain Significance. Algorithms developed to predict the effect of missense changes on protein structure and function are either unavailable or do not agree on the potential impact of this missense change (SIFT: "Tolerated"; PolyPhen-2: "Possibly Damaging"; Align-GVGD: "Class C0"). This variant has not been reported in the literature in individuals affected with DHDDS-related conditions. This variant is not present in population databases (gnomAD no frequency). This sequence change replaces aspartic acid, which is acidic and polar, with glutamic acid, which is acidic and polar, at codon 130 of the DHDDS protein (p.Asp130Glu).